The following is an entry in ClinVar:

NM_001466.4(FZD2):c.484G>A (p.Ala162Thr)

Gene: FZD2 (frizzled class receptor 2; plus strand). Cytogenetic location: 17q21.31.
Variant type: single nucleotide variant.
Coding change: c.484G>A on transcript NM_001466.4 (MANE Select); coding-DNA position 484, G replaced by A.
Protein change: p.Ala162Thr; replaces alanine 162 with threonine.
Molecular consequence: missense variant.
Genome position (GRCh38, 1-based): chr17:44,558,172, G>A. VCF-style: chr17-44558172-G-A. GRCh37 (hg19) VCF-style: chr17-42635540-G-A.
Other names: short protein forms A162T.
Identifiers: ClinVar variation 4768290 (VCV004768290.1).

ClinVar aggregate classification (germline): Uncertain significance (1 of 4 stars; one submission).

gnomAD v4.1: 1 of 1,560,664 alleles (0.000064%); highest among the groups gnomAD compares: East Asian, 0.0025%; no homozygotes.

Submission:

Labcorp Genetics (formerly Invitae), Labcorp
Classification: Uncertain significance. Last evaluated: 2025-03-04. Review status: criteria provided, single submitter. Criteria: Invitae Variant Classification Sherloc (09022015). Collection method: clinical testing. Allele origin: germline.
Comment: This sequence change replaces alanine, which is neutral and non-polar, with threonine, which is neutral and polar, at codon 162 of the FZD2 protein (p.Ala162Thr). This variant is not present in population databases (gnomAD no frequency). This variant has not been reported in the literature in individuals affected with FZD2-related conditions. An algorithm developed to predict the effect of missense changes on protein structure and function (PolyPhen-2) suggests that this variant is likely to be tolerated. In summary, the available evidence is currently insufficient to determine the role of this variant in disease. Therefore, it has been classified as a Variant of Uncertain Significance.